The following is an entry in ClinVar:

NM_000138.5(FBN1):c.7605C>G (p.Cys2535Trp)

Gene: FBN1 (fibrillin 1; minus strand). Cytogenetic location: 15q21.1.
Variant type: single nucleotide variant.
Coding change: c.7605C>G on transcript NM_000138.5 (MANE Select); coding-DNA position 7605, C replaced by G.
Protein change: p.Cys2535Trp; replaces cysteine 2535 with tryptophan.
Molecular consequence: missense variant.
Genome position (GRCh38, 1-based): chr15:48,421,652, G>C on the plus strand (C>G on the coding strand, the complement: FBN1 is on the minus strand). VCF-style: chr15-48421652-G-C. GRCh37 (hg19) VCF-style: chr15-48713849-G-C.
Other names: short protein forms C2535W.
Identifiers: ClinVar variation 457264 (VCV000457264.12), dbSNP rs113544411, ClinGen allele CA392325736.

ClinVar aggregate classification (germline): Pathogenic/Likely pathogenic. Review status: criteria provided, multiple submitters, no conflicts (2 of 4 stars). 3 submissions from 3 submitters: Pathogenic (2); Likely pathogenic (1). Last evaluated 2026-02-13.

Conditions:
Marfan syndrome (MFS). Also called: MARFAN SYNDROME, TYPE I; FBN1-Related Marfan Syndrome; Marfan syndrome type 1; Marfan's syndrome; Marfan syndrome, classic. Identifiers: Orphanet 284963, Orphanet 558, MedGen C0024796, MONDO:0007947, OMIM 154700.
Familial thoracic aortic aneurysm and aortic dissection (TAAD). Also called: Thoracic aortic aneurysms and dissections. Identifiers: Orphanet 91387, MedGen C4707243, MONDO:0019625.

Submissions (3):

Clinical Genetics Laboratory, Skane University Hospital Lund
Classification: Likely pathogenic for Marfan syndrome. Last evaluated: 2026-02-13. Review status: criteria provided, single submitter. Criteria: ACMG Guidelines, 2015. Collection method: clinical testing. Allele origin: germline. Affected: yes.
Comment: Criterias used (ClinGen FBN1 Expert Panel Specifications to the ACMG/AMP Variant Interpretation Guidelines Version 1): PS4_supporting, PM1_strong, PM2_supporting, PP3 and PP4.

Labcorp Genetics (formerly Invitae), Labcorp
Classification: Pathogenic for Marfan syndrome; Familial thoracic aortic aneurysm and aortic dissection. Last evaluated: 2022-12-06. Review status: criteria provided, single submitter. Criteria: Invitae Variant Classification Sherloc (09022015). Collection method: clinical testing. Allele origin: germline.
Comment: This sequence change replaces cysteine, which is neutral and slightly polar, with tryptophan, which is neutral and slightly polar, at codon 2535 of the FBN1 protein (p.Cys2535Trp). This variant is not present in population databases (gnomAD no frequency). This missense change has been observed in individuals with Marfan syndrome (PMID: 16222657, 24941995; Invitae). ClinVar contains an entry for this variant (Variation ID: 457264). Advanced modeling of protein sequence and biophysical properties (such as structural, functional, and spatial information, amino acid conservation, physicochemical variation, residue mobility, and thermodynamic stability) performed at Invitae indicates that this missense variant is expected to disrupt FBN1 protein function. This variant affects a cysteine residue in the EGF-like, TGFBP or hybrid motif domains of FBN1. Cysteine residues are believed to be involved in intramolecular disulfide bridges and have been shown to be important for FBN1 protein structure (PMID: 16905551, 19349279). In addition, missense substitutions affecting cysteine residues within these domains are significantly overrepresented among patients with Marfan syndrome (PMID: 16571647, 17701892). For these reasons, this variant has been classified as Pathogenic.

GeneDx
Classification: Pathogenic. Last evaluated: 2020-05-11. Review status: criteria provided, single submitter. Criteria: GeneDx Variant Classification Process June 2021. Collection method: clinical testing. Allele origin: germline. Affected: yes.
Comment: Not observed in large population cohorts (Lek et al., 2016); In silico analysis supports that this missense variant has a deleterious effect on protein structure/function; Affects a cysteine residue within a calcium-binding EGF-like domain of the FBN1 gene, which may affect disulfide bonding and is predicted to alter the structure and function of the protein. Cysteine substitutions in the calcium-binding EGF-like domains represent the majority of pathogenic missense changes associated with Marfan syndrome (Collod-Beroud et al., 2003).; Reported in ClinVar as pathogenic (ClinVar Variant ID# 457264; Landrum et al., 2016); This variant is associated with the following publications: (PMID: 31211624, 16222657, 26391944)

Literature cited by the submitters: PubMed 16222657 (cited by Labcorp Genetics (formerly Invitae), Labcorp); PubMed 24941995 (cited by Labcorp Genetics (formerly Invitae), Labcorp); PubMed 16905551 (cited by Labcorp Genetics (formerly Invitae), Labcorp); PubMed 19349279 (cited by Labcorp Genetics (formerly Invitae), Labcorp); PubMed 16571647 (cited by Labcorp Genetics (formerly Invitae), Labcorp); PubMed 17701892 (cited by Labcorp Genetics (formerly Invitae), Labcorp).